The following is an entry in ClinVar:

ClinVar aggregate classification (germline): Uncertain significance (1 of 4 stars; one submission).

Conditions:
Immunodeficiency 23 (IMD23). Also called: IMMUNODEFICIENCY WITH HYPER IgE AND COGNITIVE IMPAIRMENT; IMMUNODEFICIENCY-VASCULITIS-MYOCLONUS SYNDROME. Identifiers: Orphanet 443811, MedGen C4014371, MONDO:0014353, OMIM 615816.

Submission:

Labcorp Genetics (formerly Invitae), Labcorp
Classification: Uncertain significance for Immunodeficiency 23. Last evaluated: 2024-12-09. Review status: criteria provided, single submitter. Criteria: Invitae Variant Classification Sherloc (09022015). Collection method: clinical testing. Allele origin: germline.
Comment: This sequence change replaces proline, which is neutral and non-polar, with alanine, which is neutral and non-polar, at codon 113 of the PGM3 protein (p.Pro113Ala). This variant is not present in population databases (gnomAD no frequency). This variant has not been reported in the literature in individuals affected with PGM3-related conditions. ClinVar contains an entry for this variant (Variation ID: 1495975). An algorithm developed to predict the effect of missense changes on protein structure and function outputs the following: PolyPhen-2: "Benign". The alanine amino acid residue is found in multiple mammalian species, which suggests that this missense change does not adversely affect protein function. In summary, the available evidence is currently insufficient to determine the role of this variant in disease. Therefore, it has been classified as a Variant of Uncertain Significance.

NM_015599.3(PGM3):c.253C>G (p.Pro85Ala)

Gene: PGM3 (phosphoglucomutase 3; minus strand). Cytogenetic location: 6q14.1.
Variant type: single nucleotide variant.
Coding change: c.253C>G on transcript NM_015599.3 (MANE Select); coding-DNA position 253, C replaced by G.
Protein change: p.Pro85Ala; replaces proline 85 with alanine.
Molecular consequence: missense variant. On other transcripts: non-coding transcript variant (1).
Genome position (GRCh38, 1-based): chr6:83,188,750, G>C on the plus strand (C>G on the coding strand, the complement: PGM3 is on the minus strand). VCF-style: chr6-83188750-G-C. GRCh37 (hg19) VCF-style: chr6-83898469-G-C.
Other names: c.337C>G, p.Pro113Ala (NM_001199917.2, NM_001367287.1); c.10C>G, p.Pro4Ala (NM_001199918.2); c.253C>G, p.Pro85Ala (NM_001199919.2, NM_001367286.1); short protein forms P113A, P85A, P4A.
Identifiers: ClinVar variation 1495975 (VCV001495975.5), dbSNP rs1788804378, ClinGen allele CA364852232.